The following is an entry in ClinVar:

NM_001163435.3(TBCK):c.2500A>T (p.Thr834Ser)

Gene: TBCK (TBC1 domain containing kinase; minus strand). Cytogenetic location: 4q24.
Variant type: single nucleotide variant.
Coding change: c.2500A>T on transcript NM_001163435.3 (MANE Select); coding-DNA position 2500, A replaced by T.
Protein change: p.Thr834Ser; replaces threonine 834 with serine.
Molecular consequence: missense variant.
Genome position (GRCh38, 1-based): chr4:106,095,553, T>A on the plus strand (A>T on the coding strand, the complement: TBCK is on the minus strand). VCF-style: chr4-106095553-T-A. GRCh37 (hg19) VCF-style: chr4-107016710-T-A.
Other names: c.2500A>T, p.Thr834Ser (NM_001163436.4); c.2383A>T, p.Thr795Ser (NM_001163437.3); c.1984A>T, p.Thr662Ser (NM_001290768.2); c.2311A>T, p.Thr771Ser (NM_033115.5); short protein forms T795S, T834S, T771S, T662S.
Identifiers: ClinVar variation 1482387 (VCV001482387.4), dbSNP rs898420220, ClinGen allele CA357970700.

ClinVar aggregate classification (germline): Uncertain significance (1 of 4 stars; one submission).

Submission:

Labcorp Genetics (formerly Invitae), Labcorp
Classification: Uncertain significance. Last evaluated: 2022-10-17. Review status: criteria provided, single submitter. Criteria: Invitae Variant Classification Sherloc (09022015). Collection method: clinical testing. Allele origin: germline.
Comment: Advanced modeling of protein sequence and biophysical properties (such as structural, functional, and spatial information, amino acid conservation, physicochemical variation, residue mobility, and thermodynamic stability) performed at Invitae indicates that this missense variant is not expected to disrupt TBCK protein function. In summary, the available evidence is currently insufficient to determine the role of this variant in disease. Therefore, it has been classified as a Variant of Uncertain Significance. ClinVar contains an entry for this variant (Variation ID: 1482387). This variant has not been reported in the literature in individuals affected with TBCK-related conditions. This variant is not present in population databases (gnomAD no frequency). This sequence change replaces threonine, which is neutral and polar, with serine, which is neutral and polar, at codon 834 of the TBCK protein (p.Thr834Ser).